The following is an entry in ClinVar:

ClinVar aggregate classification (germline): Uncertain significance (1 of 4 stars; one submission).

Conditions:
Hereditary cancer-predisposing syndrome. Also called: Neoplastic Syndromes, Hereditary; Tumor predisposition; Hereditary Cancer Syndrome; Hereditary neoplastic syndrome. Identifiers: Orphanet 140162, MedGen C0027672, MeSH D009386, MONDO:0015356.

gnomAD v4.1: 1 of 1,598,074 alleles (0.000063%); highest among the groups gnomAD compares: Non-Finnish European, 0.000085%; no homozygotes.

Submission:

Ambry Genetics
Classification: Uncertain significance for Hereditary cancer-predisposing syndrome. Last evaluated: 2025-12-04. Review status: criteria provided, single submitter. Criteria: Ambry Variant Classification Scheme 2023. Collection method: clinical testing. Allele origin: germline.
Comment: The p.P275R variant (also known as c.824C>G), located in coding exon 3 of the PHOX2B gene, results from a C to G substitution at nucleotide position 824. The proline at codon 275 is replaced by arginine, an amino acid with dissimilar properties. This amino acid position is conserved. In addition, this alteration is predicted to be tolerated by in silico analysis. Based on the available evidence, the clinical significance of this variant remains unclear.

NM_003924.4(PHOX2B):c.824C>G (p.Pro275Arg)

Gene: PHOX2B (paired like homeobox 2B; minus strand). Cytogenetic location: 4p13.
Variant type: single nucleotide variant.
Coding change: c.824C>G on transcript NM_003924.4 (MANE Select); coding-DNA position 824, C replaced by G.
Protein change: p.Pro275Arg; replaces proline 275 with arginine.
Molecular consequence: missense variant.
Genome position (GRCh38, 1-based): chr4:41,745,928, G>C on the plus strand (C>G on the coding strand, the complement: PHOX2B is on the minus strand). VCF-style: chr4-41745928-G-C. GRCh37 (hg19) VCF-style: chr4-41747945-G-C.
Other names: short protein forms P275R.
Identifiers: ClinVar variation 4665824 (VCV004665824.1).